The following is an entry in ClinVar:

NM_002941.4(ROBO1):c.4924AAT[1] (p.Asn1643del)

Gene: ROBO1 (roundabout guidance receptor 1; minus strand). Cytogenetic location: 3p12.3.
Variant type: Microsatellite.
Coding change: c.4924AAT[1] on transcript NM_002941.4 (MANE Select); one copy of the 3-base unit AAT starting at c.4924; the reference has two copies in a row; one copy, 3 bases deleted.
Protein change: p.Asn1643del; deletes asparagine 1643.
Molecular consequence: inframe deletion.
Genome position (GRCh38, 1-based): chr3:78,600,125-78,600,127, ATT deleted on the plus strand (AAT on the coding strand, the reverse complement: ROBO1 is on the minus strand); deleting any 3 consecutive bases within chr3:78,600,125-78,600,132 gives the same sequence; the position shown is the placement nearest the transcript's 3' end. VCF-style (leftmost placement, unchanged base first): chr3-78600124-CATT-C. GRCh37 (hg19) VCF-style: chr3-78649274-CATT-C.
Other names: c.4624AAT[1], p.Asn1543del (NM_001145845.2); c.4789AAT[1], p.Asn1598del (NM_133631.4); short protein forms N1543del, N1598del, N1643del.
Identifiers: ClinVar variation 4056903 (VCV004056903.1).

ClinVar aggregate classification (germline): Uncertain significance (1 of 4 stars; one submission).

Submission:

GeneDx
Classification: Uncertain significance. Last evaluated: 2025-01-06. Review status: criteria provided, single submitter. Criteria: GeneDx Variant Classification Process June 2021. Collection method: clinical testing. Allele origin: germline. Affected: yes.
Comment: Not observed at significant frequency in large population cohorts (gnomAD); In-frame deletion of one amino acid in a non-repeat region; In silico analysis supports a deleterious effect on protein structure/function; Has not been previously published as pathogenic or benign to our knowledge